The following is an entry in ClinVar:

ClinVar aggregate classification (germline): Uncertain significance (1 of 4 stars; one submission).

Conditions:
Cornelia de Lange syndrome 1 (CDLS1). Also called: NIPBL-Related Cornelia de Lange Syndrome; TYPUS DEGENERATIVUS AMSTELODAMENSIS; Brachmann de Lange syndrome. Identifiers: Orphanet 199, MedGen C4551851, MONDO:0007387, OMIM 122470.

Submission:

3billion
Classification: Uncertain significance for Cornelia de Lange syndrome 1. Last evaluated: 2024-11-12. Review status: criteria provided, single submitter. Criteria: ACMG Guidelines, 2015. Collection method: clinical testing. Allele origin: germline. Affected: yes.
Comment: The variant is not observed in the gnomAD v4.1.0 dataset. Predicted Consequence/Location: Missense variant. Missense changes are a common disease-causing mechanism. In silico tool predictions suggest damaging effect of the variant on gene or gene product [REVEL: 0.75 (>=0.6, sensitivity 0.68 and specificity 0.92); 3Cnet: 0.96 (>=0.6, sensitivity 0.72 and precision 0.9)]. Therefore, this variant is classified as VUS according to the recommendation of ACMG/AMP guideline.

NM_133433.4(NIPBL):c.5368A>C (p.Thr1790Pro)

Gene: NIPBL (NIPBL cohesin loading factor; plus strand). Cytogenetic location: 5p13.2.
Variant type: single nucleotide variant.
Coding change: c.5368A>C on transcript NM_133433.4 (MANE Select); coding-DNA position 5368, A replaced by C.
Protein change: p.Thr1790Pro; replaces threonine 1790 with proline.
Molecular consequence: missense variant.
Genome position (GRCh38, 1-based): chr5:37,022,090, A>C. VCF-style: chr5-37022090-A-C. GRCh37 (hg19) VCF-style: chr5-37022192-A-C.
Other names: c.5368A>C, p.Thr1790Pro (NM_001438586.1, NM_015384.5); short protein forms T1790P.
Identifiers: ClinVar variation 4292366 (VCV004292366.1).